The following is an entry in ClinVar:

ClinVar aggregate classification (germline): Uncertain significance. Review status: criteria provided, multiple submitters, no conflicts (2 of 4 stars). 2 submissions from 2 submitters: Uncertain significance (2). Last evaluated 2024-03-24.

Conditions:
Familial isolated arrhythmogenic right ventricular dysplasia. Identifiers: Orphanet 217656, MedGen C4274968, MONDO:0016342.
Arrhythmogenic right ventricular dysplasia 11. Also called: ARRHYTHMOGENIC RIGHT VENTRICULAR DYSPLASIA, FAMILIAL, 11; Arrhythmogenic Right Ventricular Dysplasia/Cardiomyopathy11; Arrhythmogenic right ventricular dysplasia 11 with mild palmoplantar keratoderma and woolly hair. Identifiers: MedGen C1864850, MONDO:0012506, OMIM 610476.

Allele frequency attached by ClinVar (database versions not stated): TOPMed 0.00001.

Submissions (2):

All of Us Research Program, National Institutes of Health
Classification: Uncertain significance for Familial isolated arrhythmogenic right ventricular dysplasia. Last evaluated: 2024-03-24. Review status: criteria provided, single submitter. Criteria: ACMG Guidelines, 2015. Collection method: clinical testing. Allele origin: germline. Inheritance: Autosomal dominant inheritance. Observed: 2 variant alleles, 2 heterozygotes.
Comment: This missense variant replaces glycine with glutamic acid at codon 880 of the DSC2 protein. Computational prediction suggests that this variant may not impact protein structure and function (internally defined REVEL score threshold <= 0.5, PMID: 27666373). To our knowledge, functional studies have not been reported for this variant. This variant has not been reported in individuals affected with DSC2-related disorders in the literature. This variant has not been identified in the general population by the Genome Aggregation Database (gnomAD). The available evidence is insufficient to determine the role of this variant in disease conclusively. Therefore, this variant is classified as a Variant of Uncertain Significance.

This study involves interpretation of variants in research participants for the purpose of population health screening. Participant phenotype was not available at the time of variant classification. Additional details can be found in publication PMID: 35346344, PMCID: PMC8962531

Labcorp Genetics (formerly Invitae), Labcorp
Classification: Uncertain significance for Arrhythmogenic right ventricular dysplasia 11. Last evaluated: 2023-09-21. Review status: criteria provided, single submitter. Criteria: Invitae Variant Classification Sherloc (09022015). Collection method: clinical testing. Allele origin: germline.
Comment: In summary, the available evidence is currently insufficient to determine the role of this variant in disease. Therefore, it has been classified as a Variant of Uncertain Significance. Algorithms developed to predict the effect of missense changes on protein structure and function output the following: SIFT: "Not Available"; PolyPhen-2: "Possibly Damaging"; Align-GVGD: "Not Available". The glutamic acid amino acid residue is found in multiple mammalian species, which suggests that this missense change does not adversely affect protein function. This variant has not been reported in the literature in individuals affected with DSC2-related conditions. This variant is not present in population databases (gnomAD no frequency). This sequence change replaces glycine, which is neutral and non-polar, with glutamic acid, which is acidic and polar, at codon 880 of the DSC2 protein (p.Gly880Glu).

NM_024422.6(DSC2):c.2639G>A (p.Gly880Glu)

Gene: DSC2 (desmocollin 2; minus strand). Cytogenetic location: 18q12.1.
Variant type: single nucleotide variant.
Coding change: c.2639G>A on transcript NM_024422.6 (MANE Select); coding-DNA position 2639, G replaced by A.
Protein change: p.Gly880Glu; replaces glycine 880 with glutamic acid.
Molecular consequence: missense variant. On other transcripts: 3 prime UTR variant (2).
Genome position (GRCh38, 1-based): chr18:31,068,082, C>T on the plus strand (G>A on the coding strand, the complement: DSC2 is on the minus strand). VCF-style: chr18-31068082-C-T. GRCh37 (hg19) VCF-style: chr18-28648048-C-T.
Other names: c.2210G>A, p.Gly737Glu (NM_001406506.1); c.*141G>A (NM_001406507.1, NM_004949.5); short protein forms G737E, G880E.
Identifiers: ClinVar variation 2726728 (VCV002726728.5), dbSNP rs1986686755, ClinGen allele CA402110248.